The following is an entry in ClinVar:

NM_005591.4(MRE11):c.*2699A>T

Gene: MRE11 (MRE11 homolog, double strand break repair nuclease; minus strand). Cytogenetic location: 11q21.
Variant type: single nucleotide variant.
Coding change: c.*2699A>T on transcript NM_005591.4 (MANE Select); 2699 bases downstream of the stop codon, A replaced by T.
Molecular consequence: 3 prime UTR variant.
Genome position (GRCh38, 1-based): chr11:94,417,426, T>A on the plus strand (A>T on the coding strand, the complement: MRE11 is on the minus strand). VCF-style: chr11-94417426-T-A. GRCh37 (hg19) VCF-style: chr11-94150592-T-A.
Other names: c.*2699A>T (NM_001330347.2, NM_005590.4).
Identifiers: ClinVar variation 306448 (VCV000306448.5), dbSNP rs13447760, ClinGen allele CA10639657.

ClinVar aggregate classification (germline): Benign (1 of 4 stars; one submission).

Conditions:
Ataxia-telangiectasia-like disorder 1 (ATLD1). Identifiers: Orphanet 251347, MedGen C4012790, MONDO:0024557, OMIM 604391.

Allele frequency attached by ClinVar (database versions not stated): gnomAD exomes 0.00144; gnomAD 0.00804 and 0.00868; TOPMed 0.00856; 1000 Genomes Project 30x 0.00937; 1000 Genomes Project 0.00998.
gnomAD v4.1: 1,344 of 232,688 alleles (0.58%); highest among the groups gnomAD compares: African/African-American, 2.8%; 19 homozygotes.

Submission:

Illumina Laboratory Services, Illumina
Classification: Benign for Ataxia-telangiectasia-like disorder 1. Last evaluated: 2018-01-13. Review status: criteria provided, single submitter. Criteria: ICSL Variant Classification Criteria 13 December 2019. Collection method: clinical testing. Allele origin: germline.
Comment: This variant was observed in the ICSL laboratory as part of a predisposition screen in an ostensibly healthy population. It had not been previously curated by ICSL or reported in the Human Gene Mutation Database (HGMD: prior to June 1st, 2018), and was therefore a candidate for classification through an automated scoring system. Utilizing variant allele frequency, disease prevalence and penetrance estimates, and inheritance mode, an automated score was calculated to assess if this variant is too frequent to cause the disease. Based on the score and internal cut-off values, a variant classified as benign is not then subjected to further curation. The score for this variant resulted in a classification of benign for this disease.